The following is an entry in ClinVar:

ClinVar aggregate classification (germline): Uncertain significance (1 of 4 stars; one submission).

Conditions:
Neuronal ceroid lipofuscinosis. Also called: Neuronal Ceroid Lipofuscinoses. Identifiers: Orphanet 216, Orphanet 79263, MedGen C0027877, MONDO:0016295. Disease mechanism: loss of function.

Submission:

Labcorp Genetics (formerly Invitae), Labcorp
Classification: Uncertain significance for Neuronal ceroid lipofuscinosis. Last evaluated: 2022-08-21. Review status: criteria provided, single submitter. Criteria: Invitae Variant Classification Sherloc (09022015). Collection method: clinical testing. Allele origin: germline.
Comment: This sequence change replaces lysine, which is basic and polar, with arginine, which is basic and polar, at codon 256 of the CTSD protein (p.Lys256Arg). In summary, the available evidence is currently insufficient to determine the role of this variant in disease. Therefore, it has been classified as a Variant of Uncertain Significance. Algorithms developed to predict the effect of missense changes on protein structure and function output the following: SIFT: "Tolerated"; PolyPhen-2: "Benign"; Align-GVGD: "Class C0". The arginine amino acid residue is found in multiple mammalian species, which suggests that this missense change does not adversely affect protein function. This variant has not been reported in the literature in individuals affected with CTSD-related conditions. This variant is not present in population databases (gnomAD no frequency).

NM_001909.5(CTSD):c.767A>G (p.Lys256Arg)

Gene: CTSD (cathepsin D; minus strand). Cytogenetic location: 11p15.5.
Variant type: single nucleotide variant.
Coding change: c.767A>G on transcript NM_001909.5 (MANE Select); coding-DNA position 767, A replaced by G.
Protein change: p.Lys256Arg; replaces lysine 256 with arginine.
Molecular consequence: missense variant.
Genome position (GRCh38, 1-based): chr11:1,754,966, T>C on the plus strand (A>G on the coding strand, the complement: CTSD is on the minus strand). VCF-style: chr11-1754966-T-C. GRCh37 (hg19) VCF-style: chr11-1776196-T-C.
Other names: short protein forms K256R.
Identifiers: ClinVar variation 2076047 (VCV002076047.4), dbSNP rs2493820397, ClinGen allele CA379095281.